The following is an entry in ClinVar:

NM_138691.3(TMC1):c.791G>A (p.Arg264Gln)

Gene: TMC1 (transmembrane channel like 1; plus strand). Cytogenetic location: 9q21.13.
Variant type: single nucleotide variant.
Coding change: c.791G>A on transcript NM_138691.3 (MANE Select); coding-DNA position 791, G replaced by A.
Protein change: p.Arg264Gln; replaces arginine 264 with glutamine.
Molecular consequence: missense variant.
Genome position (GRCh38, 1-based): chr9:72,772,462, G>A. VCF-style: chr9-72772462-G-A. GRCh37 (hg19) VCF-style: chr9-75387378-G-A.
Other names: short protein forms R264Q.
Identifiers: ClinVar variation 1310091 (VCV001310091.8), dbSNP rs147147941, ClinGen allele CA5081790.

ClinVar aggregate classification (germline): Uncertain significance. Review status: criteria provided, multiple submitters, no conflicts (2 of 4 stars). 5 submissions from 5 submitters: Uncertain significance (5). Last evaluated 2025-05-19.

Conditions:
Inborn genetic diseases. Identifiers: MedGen C0950123, MeSH D030342.
TMC1-related disorder. Also called: TMC1-related condition; TMC1-related disorders.

Allele frequency attached by ClinVar (database versions not stated): ExAC 0.00002; gnomAD exomes 0.00003.
gnomAD v4.1: 73 of 1,613,696 alleles (0.0045%); highest among the groups gnomAD compares: Admixed American, 0.037%; no homozygotes.

Submissions (5):

PreventionGenetics, part of Exact Sciences
Classification: Uncertain significance for TMC1-related condition. Last evaluated: 2025-05-19. Review status: criteria provided, single submitter. Criteria: ACMG Guidelines, 2015. Collection method: clinical testing. Allele origin: germline.
Comment: The TMC1 c.791G>A variant is predicted to result in the amino acid substitution p.Arg264Gln. To our knowledge, this variant has not been reported in the literature. This variant is reported in 0.017% of alleles in individuals of Latino descent in gnomAD. At this time, the clinical significance of this variant is uncertain due to the absence of conclusive functional and genetic evidence.

GeneDx
Classification: Uncertain significance. Last evaluated: 2025-01-16. Review status: criteria provided, single submitter. Criteria: GeneDx Variant Classification Process June 2021. Collection method: clinical testing. Allele origin: germline. Affected: yes.
Comment: In silico analysis supports that this missense variant has a deleterious effect on protein structure/function; Has not been previously published as pathogenic or benign to our knowledge

Revvity Omics, Revvity
Classification: Uncertain significance. Last evaluated: 2024-08-19. Review status: criteria provided, single submitter. Criteria: ACMG Guidelines, 2015. Collection method: clinical testing. Allele origin: germline.

Ambry Genetics
Classification: Uncertain significance for Inborn genetic diseases. Last evaluated: 2024-01-23. Review status: criteria provided, single submitter. Criteria: Ambry Variant Classification Scheme 2023. Collection method: clinical testing. Allele origin: germline.

Blueprint Genetics
Classification: Uncertain significance. Last evaluated: 2021-04-06. Review status: criteria provided, single submitter. Criteria: ACMG Guidelines, 2015. Collection method: clinical testing. Allele origin: germline.